The following is an entry in ClinVar:

NM_016203.4(PRKAG2):c.1324G>A (p.Asp442Asn)

Gene: PRKAG2 (protein kinase AMP-activated non-catalytic subunit gamma 2; minus strand). Cytogenetic location: 7q36.1.
Variant type: single nucleotide variant.
Coding change: c.1324G>A on transcript NM_016203.4 (MANE Select); coding-DNA position 1324, G replaced by A.
Protein change: p.Asp442Asn; replaces aspartic acid 442 with asparagine.
Molecular consequence: missense variant.
Genome position (GRCh38, 1-based): chr7:151,565,795, C>T on the plus strand (G>A on the coding strand, the complement: PRKAG2 is on the minus strand). VCF-style: chr7-151565795-C-T. GRCh37 (hg19) VCF-style: chr7-151262881-C-T.
Other names: c.1192G>A, p.Asp398Asn (NM_001040633.2); c.949G>A, p.Asp317Asn (NM_001304527.2); c.601G>A, p.Asp201Asn (NM_001304531.2, NM_024429.2); c.952G>A, p.Asp318Asn (NM_001363698.2); short protein forms D201N, D317N, D318N, D442N, D398N.
Identifiers: ClinVar variation 912070 (VCV000912070.17), dbSNP rs199863116, ClinGen allele CA054788.

ClinVar aggregate classification (germline): Uncertain significance. Review status: criteria provided, multiple submitters, no conflicts (2 of 4 stars). 7 submissions from 6 submitters: Uncertain significance (7). Last evaluated 2024-05-14.

Conditions:
Cardiovascular phenotype. Identifiers: MedGen CN230736.
Wolff-Parkinson-White pattern. Also called: WPW SYNDROME; Auriculoventricular accessory pathway syndrome; False bundle branch block syndrome; Anomalous ventricular excitation syndrome. Identifiers: MedGen C0043202, MONDO:0008685, OMIM 194200, HP:0001716.
Cardiomyopathy (CMYO). Also called: Cardiomyopathies. Identifiers: Orphanet 167848, MedGen C0878544, MONDO:0004994, HP:0001638. Inheritance: Various modes of inheritance.
Lethal congenital glycogen storage disease of heart. Also called: GLYCOGEN STORAGE DISEASE OF HEART; PHOSPHORYLASE KINASE DEFICIENCY OF HEART. Identifiers: Orphanet 439854, MedGen C1849813, MONDO:0009867, OMIM 261740.
Hypertrophic cardiomyopathy 6. Identifiers: MedGen C1833236, MONDO:0010946, OMIM 600858.
Hypertrophic cardiomyopathy. Also called: HYPERTROPHIC MYOCARDIOPATHY. Identifiers: Orphanet 217569, MedGen C0007194, MeSH D002312, MONDO:0005045, HP:0001639.

Allele frequency attached by ClinVar (database versions not stated): gnomAD exomes below 0.00001; ExAC 0.00001; gnomAD 0.00001; TOPMed 0.00001.
gnomAD v4.1: 5 of 1,612,330 alleles (0.00031%); highest among the groups gnomAD compares: Non-Finnish European, 0.00042%; no homozygotes.

Submissions (7):

All of Us Research Program, National Institutes of Health
Classification: Uncertain significance for Hypertrophic cardiomyopathy. Last evaluated: 2024-05-14. Review status: criteria provided, single submitter. Criteria: ACMG Guidelines, 2015. Collection method: clinical testing. Allele origin: germline. Inheritance: Autosomal dominant inheritance. Observed: 3 variant alleles, 3 heterozygotes.
Comment: This missense variant replaces aspartic acid with asparagine at codon 442 of the PRKAG2 protein. Computational prediction suggests that this variant may not impact protein structure and function (internally defined REVEL score threshold <= 0.5, PMID: 27666373). To our knowledge, functional studies have not been reported for this variant. This variant has not been reported in individuals affected with PRKAG2-related disorders in the literature. This variant has been identified in 2/282872 chromosomes in the general population by the Genome Aggregation Database (gnomAD). The available evidence is insufficient to determine the role of this variant in disease conclusively. Therefore, this variant is classified as a Variant of Uncertain Significance.

This study involves interpretation of variants in research participants for the purpose of population health screening. Participant phenotype was not available at the time of variant classification. Additional details can be found in publication PMID: 35346344, PMCID: PMC8962531

Color Diagnostics, LLC DBA Color Health
Classification: Uncertain significance for Cardiomyopathy. Last evaluated: 2024-04-24. Review status: criteria provided, single submitter. Criteria: ACMG Guidelines, 2015. Collection method: clinical testing. Allele origin: germline.
Comment: This missense variant replaces aspartic acid with asparagine at codon 442 of the PRKAG2 protein. Computational prediction suggests that this variant may not impact protein structure and function (internally defined REVEL score threshold <= 0.5, PMID: 27666373). To our knowledge, functional studies have not been reported for this variant. This variant has not been reported in individuals affected with PRKAG2-related disorders in the literature. This variant has been identified in 2/282872 chromosomes in the general population by the Genome Aggregation Database (gnomAD). The available evidence is insufficient to determine the role of this variant in disease conclusively. Therefore, this variant is classified as a Variant of Uncertain Significance.

Women's Health and Genetics/Laboratory Corporation of America, LabCorp
Classification: Uncertain significance. Last evaluated: 2024-03-03. Review status: criteria provided, single submitter. Criteria: LabCorp Variant Classification Summary - May 2015. Collection method: clinical testing. Allele origin: germline.

Labcorp Genetics (formerly Invitae), Labcorp
Classification: Uncertain significance for Lethal congenital glycogen storage disease of heart. Last evaluated: 2023-04-11. Review status: criteria provided, single submitter. Criteria: Invitae Variant Classification Sherloc (09022015). Collection method: clinical testing. Allele origin: germline.
Comment: This sequence change replaces aspartic acid, which is acidic and polar, with asparagine, which is neutral and polar, at codon 442 of the PRKAG2 protein (p.Asp442Asn). This variant is present in population databases (rs199863116, gnomAD 0.002%). This variant has not been reported in the literature in individuals affected with PRKAG2-related conditions. ClinVar contains an entry for this variant (Variation ID: 912070). Advanced modeling of protein sequence and biophysical properties (such as structural, functional, and spatial information, amino acid conservation, physicochemical variation, residue mobility, and thermodynamic stability) performed at Invitae indicates that this missense variant is not expected to disrupt PRKAG2 protein function. In summary, the available evidence is currently insufficient to determine the role of this variant in disease. Therefore, it has been classified as a Variant of Uncertain Significance.

Ambry Genetics
Classification: Uncertain significance for Cardiovascular phenotype. Last evaluated: 2022-12-31. Review status: criteria provided, single submitter. Criteria: Ambry Variant Classification Scheme 2023. Collection method: clinical testing. Allele origin: germline.
Comment: The p.D442N variant (also known as c.1324G>A), located in coding exon 12 of the PRKAG2 gene, results from a G to A substitution at nucleotide position 1324. The aspartic acid at codon 442 is replaced by asparagine, an amino acid with highly similar properties. This amino acid position is conserved. In addition, this alteration is predicted to be tolerated by in silico analysis. Since supporting evidence is limited at this time, the clinical significance of this alteration remains unclear.

Illumina Laboratory Services, Illumina
Classification: Uncertain significance for Hypertrophic cardiomyopathy 6. Last evaluated: 2018-01-13. Review status: criteria provided, single submitter. Criteria: ICSL Variant Classification Criteria 13 December 2019. Collection method: clinical testing. Allele origin: germline.

Illumina Laboratory Services, Illumina
Classification: Uncertain significance for Wolff-Parkinson-White pattern. Last evaluated: 2018-01-13. Review status: criteria provided, single submitter. Criteria: ICSL Variant Classification Criteria 13 December 2019. Collection method: clinical testing. Allele origin: germline.